The following is an entry in ClinVar:

ClinVar aggregate classification (germline): Uncertain significance (1 of 4 stars; one submission).

Allele frequency attached by ClinVar (database versions not stated): TOPMed below 0.00001; gnomAD exomes 0.00001 and 0.00003.

Submission:

Labcorp Genetics (formerly Invitae), Labcorp
Classification: Uncertain significance. Last evaluated: 2021-09-14. Review status: criteria provided, single submitter. Criteria: Invitae Variant Classification Sherloc (09022015). Collection method: clinical testing. Allele origin: germline.
Comment: This sequence change replaces glutamic acid with glycine at codon 36 of the DDX58 protein (p.Glu36Gly). The glutamic acid residue is weakly conserved and there is a moderate physicochemical difference between glutamic acid and glycine. This variant is not present in population databases (ExAC no frequency). This variant has not been reported in the literature in individuals affected with DDX58-related conditions. Algorithms developed to predict the effect of missense changes on protein structure and function (SIFT, PolyPhen-2, Align-GVGD) all suggest that this variant is likely to be tolerated. In summary, the available evidence is currently insufficient to determine the role of this variant in disease. Therefore, it has been classified as a Variant of Uncertain Significance.

NM_014314.4(RIGI):c.107A>G (p.Glu36Gly)

Gene: RIGI (RNA sensor RIG-I; minus strand). Cytogenetic location: 9p21.1.
Variant type: single nucleotide variant.
Coding change: c.107A>G on transcript NM_014314.4 (MANE Select); coding-DNA position 107, A replaced by G.
Protein change: p.Glu36Gly; replaces glutamic acid 36 with glycine.
Molecular consequence: missense variant. On other transcripts: 5 prime UTR variant (3).
Genome position (GRCh38, 1-based): chr9:32,500,939, T>C on the plus strand (A>G on the coding strand, the complement: RIGI is on the minus strand). VCF-style: chr9-32500939-T-C. GRCh37 (hg19) VCF-style: chr9-32500937-T-C.
Other names: c.107A>G, p.Glu36Gly (NM_001385907.1, NM_001385909.1, NM_001385913.1); c.-348A>G (NM_001385910.1, NM_001385914.1); c.-355A>G (NM_001385912.1); short protein forms E36G.
Identifiers: ClinVar variation 1352841 (VCV001352841.6), dbSNP rs1178653830, ClinGen allele CA373143650.